The following is an entry in ClinVar:

ClinVar aggregate classification (germline): Uncertain significance (1 of 4 stars; one submission).

Allele frequency attached by ClinVar (database versions not stated): gnomAD 0.00001; TOPMed 0.00001; ExAC 0.00002; gnomAD exomes 0.00004.
gnomAD v4.1: 63 of 1,613,966 alleles (0.0039%); highest among the groups gnomAD compares: Non-Finnish European, 0.0051%; no homozygotes.

Submission:

Labcorp Genetics (formerly Invitae), Labcorp
Classification: Uncertain significance. Last evaluated: 2024-05-06. Review status: criteria provided, single submitter. Criteria: Invitae Variant Classification Sherloc (09022015). Collection method: clinical testing. Allele origin: germline.
Comment: This sequence change replaces proline, which is neutral and non-polar, with arginine, which is basic and polar, at codon 3994 of the HMCN1 protein (p.Pro3994Arg). This variant is present in population databases (rs759516971, gnomAD 0.004%). This variant has not been reported in the literature in individuals affected with HMCN1-related conditions. ClinVar contains an entry for this variant (Variation ID: 2182450). An algorithm developed to predict the effect of missense changes on protein structure and function (PolyPhen-2) suggests that this variant is likely to be disruptive. In summary, the available evidence is currently insufficient to determine the role of this variant in disease. Therefore, it has been classified as a Variant of Uncertain Significance.

NM_031935.3(HMCN1):c.11981C>G (p.Pro3994Arg)

Gene: HMCN1 (hemicentin 1; plus strand). Cytogenetic location: 1q31.1.
Variant type: single nucleotide variant.
Coding change: c.11981C>G on transcript NM_031935.3 (MANE Select); coding-DNA position 11981, C replaced by G.
Protein change: p.Pro3994Arg; replaces proline 3994 with arginine.
Molecular consequence: missense variant.
Genome position (GRCh38, 1-based): chr1:186,119,769, C>G. VCF-style: chr1-186119769-C-G. GRCh37 (hg19) VCF-style: chr1-186088901-C-G.
Other names: short protein forms P3994R.
Identifiers: ClinVar variation 2182450 (VCV002182450.4), dbSNP rs759516971, ClinGen allele CA1294230.